The following is an entry in ClinVar:

NC_000002.11:g.(?_32370032)_(32371757_?)del

Gene: SPAST (spastin; plus strand). Cytogenetic location: 2p22.3.
Variant type: Deletion.
Identifiers: ClinVar variation 2426014 (VCV002426014.4).

ClinVar aggregate classification (germline): Pathogenic (1 of 4 stars; one submission).

Conditions:
Hereditary spastic paraplegia 4. Also called: Spastic paraplegia 4, autosomal dominant; Spastic Paraplegia 4; Familial spastic paraplegia autosomal dominant 2. Identifiers: Orphanet 100985, MedGen C1866855, MONDO:0008438, OMIM 182601.

Submission:

Labcorp Genetics (formerly Invitae), Labcorp
Classification: Pathogenic for Hereditary spastic paraplegia 4. Last evaluated: 2022-09-10. Review status: criteria provided, single submitter. Criteria: Invitae Variant Classification Sherloc (09022015). Collection method: clinical testing. Allele origin: germline.
Comment: This variant disrupts a region of the SPAST protein in which other variant(s) (p.Arg562Gln) have been determined to be pathogenic (PMID: 11843700, 17971434, 19423133, 25326637, 27334366). This suggests that this is a clinically significant region of the protein, and that variants that disrupt it are likely to be disease-causing. For these reasons, this variant has been classified as Pathogenic. This variant has not been reported in the literature in individuals affected with SPAST-related conditions. This variant results in the deletion of part of exon 15 (c.1643_1688-530del) of the SPAST gene. It is expected to disrupt RNA splicing. Variants that disrupt the donor or acceptor splice site typically lead to a loss of protein function (PMID: 16199547), and loss-of-function variants in SPAST are known to be pathogenic (PMID: 20932283).

Literature cited by the submitters: PubMed 11843700; PubMed 17971434; PubMed 19423133; PubMed 25326637; PubMed 27334366; PubMed 16199547; PubMed 20932283.